The following is an entry in ClinVar:

ClinVar aggregate classification (germline): Uncertain significance (1 of 4 stars; one submission).

Submission:

Labcorp Genetics (formerly Invitae), Labcorp
Classification: Uncertain significance. Last evaluated: 2024-11-27. Review status: criteria provided, single submitter. Criteria: Invitae Variant Classification Sherloc (09022015). Collection method: clinical testing. Allele origin: germline.
Comment: This sequence change replaces glutamic acid, which is acidic and polar, with lysine, which is basic and polar, at codon 975 of the CACNA1E protein (p.Glu975Lys). This variant is not present in population databases (gnomAD no frequency). This variant has not been reported in the literature in individuals affected with CACNA1E-related conditions. Invitae Evidence Modeling of protein sequence and biophysical properties (such as structural, functional, and spatial information, amino acid conservation, physicochemical variation, residue mobility, and thermodynamic stability) indicates that this missense variant is not expected to disrupt CACNA1E protein function with a negative predictive value of 95%. In summary, the available evidence is currently insufficient to determine the role of this variant in disease. Therefore, it has been classified as a Variant of Uncertain Significance.

NM_001205293.3(CACNA1E):c.2923G>A (p.Glu975Lys)

Gene: CACNA1E (calcium voltage-gated channel subunit alpha1 E; plus strand). Cytogenetic location: 1q25.3.
Variant type: single nucleotide variant.
Coding change: c.2923G>A on transcript NM_001205293.3 (MANE Select); coding-DNA position 2923, G replaced by A.
Protein change: p.Glu975Lys; replaces glutamic acid 975 with lysine.
Molecular consequence: missense variant.
Genome position (GRCh38, 1-based): chr1:181,733,009, G>A. VCF-style: chr1-181733009-G-A. GRCh37 (hg19) VCF-style: chr1-181702145-G-A.
Other names: c.2923G>A, p.Glu975Lys (NM_000721.4); c.2866G>A, p.Glu956Lys (NM_001205294.2); short protein forms E956K, E975K.
Identifiers: ClinVar variation 3701071 (VCV003701071.2).